The following is an entry in ClinVar:

NM_194277.3(FRMD7):c.1963T>C (p.Ser655Pro)

Gene: FRMD7 (FERM domain containing 7; minus strand). Cytogenetic location: Xq26.2.
Variant type: single nucleotide variant.
Coding change: c.1963T>C on transcript NM_194277.3 (MANE Select); coding-DNA position 1963, T replaced by C.
Protein change: p.Ser655Pro; replaces serine 655 with proline.
Molecular consequence: missense variant.
Genome position (GRCh38, 1-based): chrX:132,078,054, A>G on the plus strand (T>C on the coding strand, the complement: FRMD7 is on the minus strand). VCF-style: chrX-132078054-A-G. GRCh37 (hg19) VCF-style: chrX-131212082-A-G.
Other names: c.1918T>C, p.Ser640Pro (NM_001306193.2); short protein forms S640P, S655P.
Identifiers: ClinVar variation 4706424 (VCV004706424.1).

ClinVar aggregate classification (germline): Uncertain significance (1 of 4 stars; one submission).

gnomAD v4.1: 1 of 1,209,444 alleles (0.000083%); highest among the groups gnomAD compares: African/African-American, 0.0018%; no homozygotes.

Submission:

Labcorp Genetics (formerly Invitae), Labcorp
Classification: Uncertain significance. Last evaluated: 2025-12-24. Review status: criteria provided, single submitter. Criteria: Invitae Variant Classification Sherloc (09022015). Collection method: clinical testing. Allele origin: germline.
Comment: This sequence change replaces serine, which is neutral and polar, with proline, which is neutral and non-polar, at codon 655 of the FRMD7 protein (p.Ser655Pro). This variant is not present in population databases (gnomAD no frequency). This variant has not been reported in the literature in individuals affected with FRMD7-related conditions. An algorithm developed to predict the effect of missense changes on protein structure and function outputs the following: PolyPhen-2: "Benign". The proline amino acid residue is found in multiple mammalian species, which suggests that this missense change does not adversely affect protein function. In summary, the available evidence is currently insufficient to determine the role of this variant in disease. Therefore, it has been classified as a Variant of Uncertain Significance.